The following is an entry in ClinVar:

NM_000448.3(RAG1):c.2449del (p.Glu817fs)

Gene: RAG1 (recombination activating 1; plus strand). Cytogenetic location: 11p12.
Variant type: Deletion.
Coding change: c.2449del on transcript NM_000448.3 (MANE Select); coding-DNA position 2449, one base deleted (G; older notation c.2449delG).
Protein change: p.Glu817fs; shifts the reading frame from glutamic acid 817.
Molecular consequence: frameshift variant.
Genome position (GRCh38, 1-based): chr11:36,575,753, G deleted; the last of 4 consecutive G bases (chr11:36,575,750-36,575,753); deleting any one gives the same sequence. VCF-style (leftmost placement, unchanged base first): chr11-36575749-AG-A. GRCh37 (hg19) VCF-style: chr11-36597299-AG-A.
Other names: c.2449del, p.Glu817fs (NM_001377277.1, NM_001377278.1, NM_001377279.1 and 1 more transcripts); short protein forms E817fs.
Identifiers: ClinVar variation 2678212 (VCV002678212.4), dbSNP rs2494760363, ClinGen allele CA2613151028.

ClinVar aggregate classification (germline): Pathogenic/Likely pathogenic. Review status: criteria provided, multiple submitters, no conflicts (2 of 4 stars). 2 submissions from 2 submitters: Pathogenic (1); Likely pathogenic (1). Last evaluated 2023-11-30.

Conditions:
Severe combined immunodeficiency, autosomal recessive, T cell-negative, B cell-negative, NK cell-positive. Also called: SCID, T CELL-NEGATIVE, B CELL-NEGATIVE, NK CELL-POSITIVE; SCID, AR, T-cell negative, B-cell negative, NK cell-positive; Severe combined immunodeficiency due to complete RAG1/2 deficiency. Identifiers: Orphanet 331206, MedGen C1832322, MONDO:0011086, OMIM 601457.
Combined immunodeficiency with skin granulomas. Identifiers: Orphanet 157949, MedGen C2673536, MONDO:0009306, OMIM 233650.
Combined immunodeficiency due to partial RAG1 deficiency. Identifiers: Orphanet 231154, MedGen C1835931, MONDO:0012359, OMIM 609889.

Submissions (2):

Labcorp Genetics (formerly Invitae), Labcorp
Classification: Pathogenic for Combined immunodeficiency with skin granulomas; Severe combined immunodeficiency, autosomal recessive, T cell-negative, B cell-negative, NK cell-positive. Last evaluated: 2023-11-30. Review status: criteria provided, single submitter. Criteria: Invitae Variant Classification Sherloc (09022015). Collection method: clinical testing. Allele origin: germline.
Comment: This sequence change creates a premature translational stop signal (p.Glu817Lysfs*28) in the RAG1 gene. While this is not anticipated to result in nonsense mediated decay, it is expected to disrupt the last 227 amino acid(s) of the RAG1 protein. This variant is not present in population databases (gnomAD no frequency). This variant has not been reported in the literature in individuals affected with RAG1-related conditions. This variant disrupts a region of the RAG1 protein in which other variant(s) (p.His994Arg) have been determined to be pathogenic (PMID: 33193364; Invitae). This suggests that this is a clinically significant region of the protein, and that variants that disrupt it are likely to be disease-causing. For these reasons, this variant has been classified as Pathogenic.

Baylor Genetics
Classification: Likely pathogenic for Combined immunodeficiency due to partial RAG1 deficiency. Last evaluated: 2022-09-09. Review status: criteria provided, single submitter. Criteria: ACMG Guidelines, 2015. Collection method: clinical testing. Allele origin: unknown.

Literature cited by the submitters: PubMed 33193364 (cited by Labcorp Genetics (formerly Invitae), Labcorp).